The following is an entry in ClinVar:

ClinVar aggregate classification (germline): Uncertain significance. Review status: criteria provided, multiple submitters, no conflicts (2 of 4 stars). 3 submissions from 3 submitters: Uncertain significance (3). Last evaluated 2025-03-19.

Conditions:
Haddad syndrome (OHD). Also called: Ondine-Hirschsprung disease. Identifiers: Orphanet 99803, MedGen C1859049, MONDO:0020493.
Hereditary cancer-predisposing syndrome. Also called: Hereditary neoplastic syndrome; Neoplastic Syndromes, Hereditary; Tumor predisposition; Hereditary Cancer Syndrome. Identifiers: Orphanet 140162, MedGen C0027672, MeSH D009386, MONDO:0015356.

Allele frequency attached by ClinVar (database versions not stated): TOPMed below 0.00001.

Submissions (3):

Ambry Genetics
Classification: Uncertain significance for Hereditary cancer-predisposing syndrome. Last evaluated: 2025-03-19. Review status: criteria provided, single submitter. Criteria: Ambry Variant Classification Scheme 2023. Collection method: clinical testing. Allele origin: germline.
Comment: The p.T23S variant (also known as c.68C>G), located in coding exon 1 of the PHOX2B gene, results from a C to G substitution at nucleotide position 68. The threonine at codon 23 is replaced by serine, an amino acid with similar properties. This amino acid position is well conserved in available vertebrate species. In addition, the in silico prediction for this alteration is inconclusive. Based on the available evidence, the clinical significance of this variant remains unclear.

Labcorp Genetics (formerly Invitae), Labcorp
Classification: Uncertain significance for Haddad syndrome. Last evaluated: 2024-10-29. Review status: criteria provided, single submitter. Criteria: Invitae Variant Classification Sherloc (09022015). Collection method: clinical testing. Allele origin: germline.
Comment: This sequence change replaces threonine, which is neutral and polar, with serine, which is neutral and polar, at codon 23 of the PHOX2B protein (p.Thr23Ser). This variant is not present in population databases (gnomAD no frequency). This variant has not been reported in the literature in individuals affected with PHOX2B-related conditions. ClinVar contains an entry for this variant (Variation ID: 941710). An algorithm developed to predict the effect of missense changes on protein structure and function (PolyPhen-2) suggests that this variant is likely to be tolerated. In summary, the available evidence is currently insufficient to determine the role of this variant in disease. Therefore, it has been classified as a Variant of Uncertain Significance.

GeneDx
Classification: Uncertain significance. Last evaluated: 2023-06-07. Review status: criteria provided, single submitter. Criteria: GeneDx Variant Classification Process June 2021. Collection method: clinical testing. Allele origin: germline. Affected: yes.
Comment: Not observed at significant frequency in large population cohorts (gnomAD); In silico analysis supports that this missense variant does not alter protein structure/function; Has not been previously published as pathogenic or benign to our knowledge

NM_003924.4(PHOX2B):c.68C>G (p.Thr23Ser)

Genes: PHOX2B (paired like homeobox 2B; minus strand), PHOX2B-AS1 (PHOX2B antisense RNA 1; plus strand). Cytogenetic location: 4p13.
Variant type: single nucleotide variant.
Coding change: c.68C>G on transcript NM_003924.4 (MANE Select); coding-DNA position 68, C replaced by G.
Protein change: p.Thr23Ser; replaces threonine 23 with serine.
Molecular consequence: missense variant.
Genome position (GRCh38, 1-based): chr4:41,748,543, G>C on the plus strand (C>G on the coding strand, the complement: PHOX2B is on the minus strand). VCF-style: chr4-41748543-G-C. GRCh37 (hg19) VCF-style: chr4-41750560-G-C.
Other names: short protein forms T23S.
Identifiers: ClinVar variation 941710 (VCV000941710.12), dbSNP rs1389889634, ClinGen allele CA356741174.